The following is an entry in ClinVar:

NM_001905.4(CTPS1):c.1190-18T>A

Gene: CTPS1 (CTP synthase 1; plus strand). Cytogenetic location: 1p34.2.
Variant type: single nucleotide variant.
Coding change: c.1190-18T>A on transcript NM_001905.4 (MANE Select); 18 bases into the intron before coding-DNA position 1190, T replaced by A.
Molecular consequence: intron variant.
Genome position (GRCh38, 1-based): chr1:41,003,096, T>A. VCF-style: chr1-41003096-T-A. GRCh37 (hg19) VCF-style: chr1-41468768-T-A.
Other names: c.722-18T>A (NM_001301237.2).
Identifiers: ClinVar variation 2790539 (VCV002790539.3), dbSNP rs965798416, ClinGen allele CA417363858.

ClinVar aggregate classification (germline): Uncertain significance (1 of 4 stars; one submission).

Conditions:
Combined immunodeficiency due to CTPS1 deficiency. Also called: Immunodeficiency 24; Severe combined immunodeficiency due to CTPS1 deficiency. Identifiers: Orphanet 420573, MedGen C4014617, MONDO:0014391, OMIM 615897.

gnomAD v4.1: 10 of 1,614,018 alleles (0.00062%); highest among the groups gnomAD compares: Non-Finnish European, 0.00085%; no homozygotes.

Submission:

Labcorp Genetics (formerly Invitae), Labcorp
Classification: Uncertain significance for Combined immunodeficiency due to CTPS1 deficiency. Last evaluated: 2022-12-15. Review status: criteria provided, single submitter. Criteria: Invitae Variant Classification Sherloc (09022015). Collection method: clinical testing. Allele origin: germline.
Comment: This sequence change falls in intron 11 of the CTPS1 gene. It does not directly change the encoded amino acid sequence of the CTPS1 protein. This variant is present in population databases (no rsID available, gnomAD 0.0009%). This variant has not been reported in the literature in individuals affected with CTPS1-related conditions. Algorithms developed to predict the effect of sequence changes on RNA splicing suggest that this variant may disrupt the consensus splice site. In summary, the available evidence is currently insufficient to determine the role of this variant in disease. Therefore, it has been classified as a Variant of Uncertain Significance.